The following is an entry in ClinVar:

ClinVar aggregate classification (germline): Uncertain significance (1 of 4 stars; one submission).

Conditions:
Bethlem myopathy 1A. Also called: Bethlem myopathy 1; MYOPATHY, BENIGN CONGENITAL, WITH CONTRACTURES; Bethlem Muscular Dystrophy. Identifiers: Orphanet 610, MedGen CN029274, MONDO:0024530, OMIM 158810.

Submission:

Labcorp Genetics (formerly Invitae), Labcorp
Classification: Uncertain significance for Bethlem myopathy 1A. Last evaluated: 2022-07-04. Review status: criteria provided, single submitter. Criteria: Invitae Variant Classification Sherloc (09022015). Collection method: clinical testing. Allele origin: germline.
Comment: This sequence change replaces isoleucine, which is neutral and non-polar, with phenylalanine, which is neutral and non-polar, at codon 2434 of the COL6A3 protein (p.Ile2434Phe). This variant is not present in population databases (gnomAD no frequency). This variant has not been reported in the literature in individuals affected with COL6A3-related conditions. Advanced modeling of protein sequence and biophysical properties (such as structural, functional, and spatial information, amino acid conservation, physicochemical variation, residue mobility, and thermodynamic stability) performed at Invitae indicates that this missense variant is not expected to disrupt COL6A3 protein function. In summary, the available evidence is currently insufficient to determine the role of this variant in disease. Therefore, it has been classified as a Variant of Uncertain Significance.

NM_004369.4(COL6A3):c.7300A>T (p.Ile2434Phe)

Gene: COL6A3 (collagen type VI alpha 3 chain; minus strand). Cytogenetic location: 2q37.3.
Variant type: single nucleotide variant.
Coding change: c.7300A>T on transcript NM_004369.4 (MANE Select); coding-DNA position 7300, A replaced by T.
Protein change: p.Ile2434Phe; replaces isoleucine 2434 with phenylalanine.
Molecular consequence: missense variant.
Genome position (GRCh38, 1-based): chr2:237,344,718, T>A on the plus strand (A>T on the coding strand, the complement: COL6A3 is on the minus strand). VCF-style: chr2-237344718-T-A. GRCh37 (hg19) VCF-style: chr2-238253361-T-A.
Other names: c.5479A>T, p.Ile1827Phe (NM_057166.5); c.6682A>T, p.Ile2228Phe (NM_057167.4); short protein forms I2434F, I1827F, I2228F.
Identifiers: ClinVar variation 1917265 (VCV001917265.2), dbSNP rs1040346559, ClinGen allele CA351203931.